The following is an entry in ClinVar:

NM_001317778.2(SFTPC):c.334G>C (p.Ala112Pro)

Gene: SFTPC (surfactant protein C; plus strand). Cytogenetic location: 8p21.3.
Variant type: single nucleotide variant.
Coding change: c.334G>C on transcript NM_001317778.2 (MANE Select); coding-DNA position 334, G replaced by C.
Protein change: p.Ala112Pro; replaces alanine 112 with proline.
Molecular consequence: missense variant.
Genome position (GRCh38, 1-based): chr8:22,163,445, G>C. VCF-style: chr8-22163445-G-C. GRCh37 (hg19) VCF-style: chr8-22020958-G-C.
Other names: c.334G>C, p.Ala112Pro (NM_001172357.2, NM_001172410.2, NM_001317780.2 and 8 more transcripts); c.175G>C, p.Ala59Pro (NM_001317779.2, NM_001385660.1); short protein forms A59P, A112P.
Identifiers: ClinVar variation 1730508 (VCV001730508.2), dbSNP rs372529179, ClinGen allele CA370537599.

ClinVar aggregate classification (germline): Likely pathogenic (1 of 4 stars; one submission).

Conditions:
Hereditary pulmonary alveolar proteinosis. Also called: Pulmonary surfactant metabolism dysfunction. Identifiers: Orphanet 264675, MedGen C3711368, MONDO:0012580.

Submission:

Ambry Genetics
Classification: Likely pathogenic for Hereditary pulmonary alveolar proteinosis. Last evaluated: 2020-05-22. Review status: criteria provided, single submitter. Criteria: Ambry Variant Classification Scheme 2023. Collection method: clinical testing. Allele origin: germline.
Comment: The p.A112P variant (also known as c.334G>C), located in coding exon 4 of the SFTPC gene, results from a G to C substitution at nucleotide position 334. The alanine at codon 112 is replaced by proline, an amino acid with highly similar properties. Based on internal structural analysis, A112P is moderately disruptive to the structure of the BRICHOS domain of SFTPC, and is predicted to break the secondary structure in which it is located (Maguire JA et al. Am. J. Respir. Cell Mol. Biol., 2011 Mar;44:404-14; Zarbock R et al. BMC Pulm Med, 2012 Mar;12:15; Willander H et al. Proc. Natl. Acad. Sci. U.S.A., 2012 Feb;109:2325-9; Hong D et al. Pediatr. Res., 2017 Jun;81:891-897). This variant was not reported in population-based cohorts in the Genome Aggregation Database (gnomAD). This amino acid position is well conserved in available vertebrate species. In addition, this alteration is predicted to be deleterious by in silico analysis. Based on the majority of available evidence to date, this variant is likely to be pathogenic.

Literature cited by the submitters: PubMed 20463293; PubMed 22308375; PubMed 22458263; PubMed 28157837.